The following is an entry in ClinVar:

ClinVar aggregate classification (germline): Benign/Likely benign. Review status: criteria provided, multiple submitters, no conflicts (2 of 4 stars). 8 submissions from 8 submitters: Benign (1); Likely benign (7). Last evaluated 2026-08-01.

Conditions:
Cardiovascular phenotype. Identifiers: MedGen CN230736.
Cardiomyopathy (CMYO). Also called: Cardiomyopathies. Identifiers: Orphanet 167848, MedGen C0878544, MONDO:0004994, HP:0001638. Inheritance: Various modes of inheritance.
Hypertrophic cardiomyopathy. Also called: HYPERTROPHIC MYOCARDIOPATHY. Identifiers: Orphanet 217569, MedGen C0007194, MeSH D002312, MONDO:0005045, HP:0001639.

Allele frequency attached by ClinVar (database versions not stated): gnomAD 0.00001 and 0.00004; TOPMed 0.00002; gnomAD exomes 0.00008; ExAC 0.00010; 1000 Genomes Project 0.00040; 1000 Genomes Project 30x 0.00047.

Submissions (8):

CeGaT Center for Human Genetics Tuebingen
Classification: Likely benign. Last evaluated: 2026-08-01. Review status: criteria provided, single submitter. Criteria: CeGaT Center For Human Genetics Tuebingen Variant Classification Criteria Version 2. Collection method: clinical testing. Allele origin: germline. Affected: yes. Observed: 1 variant allele.
Comment: TNNI3: BP4, BP7

Labcorp Genetics (formerly Invitae), Labcorp
Classification: Likely benign for Hypertrophic cardiomyopathy. Last evaluated: 2025-12-14. Review status: criteria provided, single submitter. Criteria: Invitae Variant Classification Sherloc (09022015). Collection method: clinical testing. Allele origin: germline.

Ambry Genetics
Classification: Likely benign for Cardiovascular phenotype. Last evaluated: 2024-05-19. Review status: criteria provided, single submitter. Criteria: Ambry Variant Classification Scheme 2023. Collection method: clinical testing. Allele origin: germline.

All of Us Research Program, National Institutes of Health
Classification: Likely benign for Hypertrophic cardiomyopathy. Last evaluated: 2024-02-05. Review status: criteria provided, single submitter. Criteria: ACMG Guidelines, 2015. Collection method: clinical testing. Allele origin: germline. Inheritance: Autosomal dominant inheritance. Observed: 7 variant alleles, 7 heterozygotes.
Comment: This study involves interpretation of variants in research participants for the purpose of population health screening. Participant phenotype was not available at the time of variant classification. Additional details can be found in publication PMID: 35346344, PMCID: PMC8962531

Blueprint Genetics
Classification: Likely benign. Last evaluated: 2023-06-06. Review status: criteria provided, single submitter. Criteria: ACMG Guidelines, 2015. Collection method: clinical testing. Allele origin: germline.

Color Diagnostics, LLC DBA Color Health
Classification: Likely benign for Cardiomyopathy. Last evaluated: 2018-11-16. Review status: criteria provided, single submitter. Criteria: ACMG Guidelines, 2015. Collection method: clinical testing. Allele origin: germline.

GeneDx
Classification: Benign. Last evaluated: 2015-12-04. Review status: criteria provided, single submitter. Criteria: GeneDx Variant Classification (06012015). Collection method: clinical testing. Allele origin: germline. Affected: yes.
Comment: This variant is considered likely benign or benign based on one or more of the following criteria: it is a conservative change, it occurs at a poorly conserved position in the protein, it is predicted to be benign by multiple in silico algorithms, and/or has population frequency not consistent with disease.

Laboratory for Molecular Medicine, Mass General Brigham Personalized Medicine
Classification: Likely benign. Last evaluated: 2015-02-16. Review status: criteria provided, single submitter. Criteria: LMM Criteria. Collection method: clinical testing. Allele origin: germline. Observed: 1 variant allele.
Comment: p.Tyr112Tyr in exon 6 of TNNI3: This variant is not expected to have clinical si gnificance because it does not alter an amino acid residue and is not located wi thin the splice consensus sequence. It has been identified in 6/16424 South Asia n chromosomes by the Exome Aggregation Consortium (ExAC).

NM_000363.5(TNNI3):c.336C>T (p.Tyr112=)

Gene: TNNI3 (troponin I3, cardiac type; minus strand). Cytogenetic location: 19q13.42.
Variant type: single nucleotide variant.
Coding change: c.336C>T on transcript NM_000363.5 (MANE Select); coding-DNA position 336, C replaced by T.
Protein change: p.Tyr112=; no amino-acid change (tyrosine 112 retained).
Molecular consequence: synonymous variant.
Genome position (GRCh38, 1-based): chr19:55,154,777, G>A on the plus strand (C>T on the coding strand, the complement: TNNI3 is on the minus strand). VCF-style: chr19-55154777-G-A. GRCh37 (hg19) VCF-style: chr19-55666145-G-A.
Identifiers: ClinVar variation 228018 (VCV000228018.20), dbSNP rs559450042, ClinGen allele CA051260.